The following is an entry in ClinVar:

NM_000293.3(PHKB):c.1387G>C (p.Asp463His)

Gene: PHKB (phosphorylase kinase regulatory subunit beta; plus strand). Cytogenetic location: 16q12.1.
Variant type: single nucleotide variant.
Coding change: c.1387G>C on transcript NM_000293.3 (MANE Select); coding-DNA position 1387, G replaced by C.
Protein change: p.Asp463His; replaces aspartic acid 463 with histidine.
Molecular consequence: missense variant.
Genome position (GRCh38, 1-based): chr16:47,610,849, G>C. VCF-style: chr16-47610849-G-C. GRCh37 (hg19) VCF-style: chr16-47644760-G-C.
Other names: c.1366G>C, p.Asp456His (NM_001031835.3); c.1387G>C, p.Asp463His (NM_001363837.1); short protein forms D456H, D463H.
Identifiers: ClinVar variation 1358703 (VCV001358703.5), dbSNP rs150683838, ClinGen allele CA8040802.

ClinVar aggregate classification (germline): Uncertain significance (1 of 4 stars; one submission).

Conditions:
Glycogen storage disease IXb (GSD9B). Also called: PHOSPHORYLASE KINASE DEFICIENCY OF LIVER AND MUSCLE, AUTOSOMAL RECESSIVE; GLYCOGENOSIS OF LIVER AND MUSCLE, AUTOSOMAL RECESSIVE; GSD IXb. Identifiers: Orphanet 79240, MedGen C0543514, MONDO:0009868, OMIM 261750.

Allele frequency attached by ClinVar (database versions not stated): gnomAD exomes 0.00002 and 0.00008; ExAC 0.00012; 1000 Genomes Project 30x 0.00016; 1000 Genomes Project 0.00020; ESP Exome Variant Server 0.00023.

Submission:

Labcorp Genetics (formerly Invitae), Labcorp
Classification: Uncertain significance for Glycogen storage disease IXb. Last evaluated: 2022-07-11. Review status: criteria provided, single submitter. Criteria: Invitae Variant Classification Sherloc (09022015). Collection method: clinical testing. Allele origin: germline.
Comment: This sequence change replaces aspartic acid, which is acidic and polar, with histidine, which is basic and polar, at codon 463 of the PHKB protein (p.Asp463His). This variant is present in population databases (rs150683838, gnomAD 0.1%). This variant has not been reported in the literature in individuals affected with PHKB-related conditions. ClinVar contains an entry for this variant (Variation ID: 1358703). Algorithms developed to predict the effect of missense changes on protein structure and function are either unavailable or do not agree on the potential impact of this missense change (SIFT: "Deleterious"; PolyPhen-2: "Probably Damaging"; Align-GVGD: "Class C0"). In summary, the available evidence is currently insufficient to determine the role of this variant in disease. Therefore, it has been classified as a Variant of Uncertain Significance.